The following is an entry in ClinVar:

ClinVar aggregate classification (germline): Pathogenic/Likely pathogenic. Review status: criteria provided, multiple submitters, no conflicts (2 of 4 stars). 4 submissions from 4 submitters: Pathogenic (3); Likely pathogenic (1). Last evaluated 2023-05-08.

Conditions:
Hereditary cancer-predisposing syndrome. Also called: Hereditary Cancer Syndrome; Hereditary neoplastic syndrome; Tumor predisposition; Neoplastic Syndromes, Hereditary. Identifiers: Orphanet 140162, MedGen C0027672, MeSH D009386, MONDO:0015356.
Familial adenomatous polyposis 1 (FAP1). Also called: FAMILIAL ADENOMATOUS POLYPOSIS 1, ATTENUATED; POLYPOSIS, ADENOMATOUS INTESTINAL. Identifiers: MedGen C2713442, MONDO:0021056, OMIM 175100. Disease mechanism: loss of function.

Submissions (4):

Myriad Genetics, Inc.
Classification: Pathogenic for Familial adenomatous polyposis 1. Last evaluated: 2023-05-08. Review status: criteria provided, single submitter. Criteria: Myriad Autosomal Dominant, Autosomal Recessive and X-Linked Classification Criteria (2023). Collection method: clinical testing. Allele origin: unknown.
Comment: This variant is considered pathogenic. This variant creates a termination codon and is predicted to result in premature protein truncation.

Ambry Genetics
Classification: Likely pathogenic for Hereditary cancer-predisposing syndrome. Last evaluated: 2023-05-03. Review status: criteria provided, single submitter. Criteria: Ambry Variant Classification Scheme 2023. Collection method: clinical testing. Allele origin: germline.
Comment: The p.R1158* variant (also known as c.3472A>T), located in coding exon 15 of the APC gene, results from an A to T substitution at nucleotide position 3472. This changes the amino acid from an arginine to a stop codon within coding exon 15. This alteration occurs at the 3' terminus of the APC gene, is not expected to trigger nonsense-mediated mRNA decay, and only impacts the last 1687 amino acids of the protein. However, premature stop codons are typically deleterious in nature and the impacted region is critical for protein function (Ambry internal data). This alteration was identified in 1 patient with a personal history of gastric and colon polyps amongst a cohort of 10030 consecutive patients referred for evaluation by an NGS hereditary cancer panel (Susswein LR et al. Genet Med, 2016 Aug;18:823-32). This variant is considered to be rare based on population cohorts in the Genome Aggregation Database (gnomAD). Based on the majority of available evidence to date, this variant is likely to be pathogenic.

Labcorp Genetics (formerly Invitae), Labcorp
Classification: Pathogenic for Familial adenomatous polyposis 1. Last evaluated: 2022-05-16. Review status: criteria provided, single submitter. Criteria: Invitae Variant Classification Sherloc (09022015). Collection method: clinical testing. Allele origin: germline.
Comment: This variant is expected to disrupt the EB1 and HDLG binding sites, which mediate interactions with the cytoskeleton (PMID: 15311282, 17293347). While functional studies have not been performed to directly test the effect on APC protein function, this suggests that disruption of the C-terminal portion of the protein is functionally important. For these reasons, this variant has been classified as Pathogenic. A different truncation (p.Tyr2645Lysfs*14) that lies downstream of this variant has been determined to be pathogenic (PMID: 9824584, 1316610, 27081525, 8381579, 22135120, Invitae). This suggests that deletion of this region of the APC protein is causative of disease. ClinVar contains an entry for this variant (Variation ID: 127289). This premature translational stop signal has been observed in individual(s) with gastric cancer and colon polyps. (PMID: 26681312). This variant is not present in population databases (gnomAD no frequency). This sequence change creates a premature translational stop signal (p.Arg1158*) in the APC gene. While this is not anticipated to result in nonsense mediated decay, it is expected to disrupt the last 1686 amino acid(s) of the APC protein.

GeneDx
Classification: Pathogenic. Last evaluated: 2014-03-17. Review status: criteria provided, single submitter. Criteria: GeneDx Variant Classification (06012015). Collection method: clinical testing. Allele origin: germline. Affected: yes.
Comment: This pathogenic variant is denoted APC c.3472A>T at the cDNA level and p.Arg1158Ter (R1158X) at the protein level. The substitution creates a nonsense variant, changing an Arginine to a premature stop codon (AGA>TGA). This variant is predicted to cause loss of normal protein function through protein truncation. This variant has not, to our knowledge, been published in the literature.

Literature cited by the submitters: PubMed 26681312 (cited by Ambry Genetics and Labcorp Genetics (formerly Invitae), Labcorp); PubMed 15311282 (cited by Labcorp Genetics (formerly Invitae), Labcorp); PubMed 17293347 (cited by Labcorp Genetics (formerly Invitae), Labcorp); PubMed 9824584 (cited by Labcorp Genetics (formerly Invitae), Labcorp); PubMed 1316610 (cited by Labcorp Genetics (formerly Invitae), Labcorp); PubMed 27081525 (cited by Labcorp Genetics (formerly Invitae), Labcorp); PubMed 8381579 (cited by Labcorp Genetics (formerly Invitae), Labcorp); PubMed 22135120 (cited by Labcorp Genetics (formerly Invitae), Labcorp).

NM_000038.6(APC):c.3472A>T (p.Arg1158Ter)

Gene: APC (APC regulator of Wnt signaling pathway; plus strand). Cytogenetic location: 5q22.2.
Variant type: single nucleotide variant.
Coding change: c.3472A>T on transcript NM_000038.6 (MANE Select); coding-DNA position 3472, A replaced by T.
Protein change: p.Arg1158Ter; replaces arginine 1158 with a stop codon.
Molecular consequence: nonsense.
Genome position (GRCh38, 1-based): chr5:112,839,066, A>T. VCF-style: chr5-112839066-A-T. GRCh37 (hg19) VCF-style: chr5-112174763-A-T.
Other names: p.R1158X:AGA>TGA; c.3472A>T, p.Arg1158Ter (NM_001127510.3, NM_001354895.2); c.3418A>T, p.Arg1140Ter (NM_001127511.3); c.3526A>T, p.Arg1176Ter (NM_001354896.2); c.3502A>T, p.Arg1168Ter (NM_001354897.2); c.3397A>T, p.Arg1133Ter (NM_001354898.2); c.3388A>T, p.Arg1130Ter (NM_001354899.2); c.3349A>T, p.Arg1117Ter (NM_001354900.2); and 6 more; short protein forms R1158*, R1140*, R1032*, R998*, R1057*, R1168*, R1117*, R1133*.
Identifiers: ClinVar variation 127289 (VCV000127289.10), dbSNP rs587779790, ClinGen allele CA008436.